The following is an entry in ClinVar:

ClinVar aggregate classification (germline): Uncertain significance (1 of 4 stars; one submission).

Allele frequency attached by ClinVar (database versions not stated): gnomAD exomes below 0.00001.
gnomAD v4.1: 1 of 1,211,008 alleles (0.000083%); highest among the groups gnomAD compares: Non-Finnish European, 0.00011%; no homozygotes.

Submission:

Labcorp Genetics (formerly Invitae), Labcorp
Classification: Uncertain significance. Last evaluated: 2023-08-05. Review status: criteria provided, single submitter. Criteria: Invitae Variant Classification Sherloc (09022015). Collection method: clinical testing. Allele origin: germline.
Comment: This sequence change replaces isoleucine, which is neutral and non-polar, with asparagine, which is neutral and polar, at codon 130 of the RS1 protein (p.Ile130Asn). This variant is not present in population databases (gnomAD no frequency). This variant has not been reported in the literature in individuals affected with RS1-related conditions. Advanced modeling of protein sequence and biophysical properties (such as structural, functional, and spatial information, amino acid conservation, physicochemical variation, residue mobility, and thermodynamic stability) has been performed at Invitae for this missense variant, however the output from this modeling did not meet the statistical confidence thresholds required to predict the impact of this variant on RS1 protein function. In summary, the available evidence is currently insufficient to determine the role of this variant in disease. Therefore, it has been classified as a Variant of Uncertain Significance.

NM_000330.4(RS1):c.389T>A (p.Ile130Asn)

Genes: CDKL5 (cyclin dependent kinase like 5; plus strand), RS1 (retinoschisin 1; minus strand). Cytogenetic location: Xp22.13.
Variant type: single nucleotide variant.
Coding change: c.389T>A on transcript NM_000330.4 (MANE Select); coding-DNA position 389, T replaced by A.
Protein change: p.Ile130Asn; replaces isoleucine 130 with asparagine.
Molecular consequence: missense variant. On other transcripts: intron variant (2).
Genome position (GRCh38, 1-based): chrX:18,644,563, A>T on the plus strand (T>A on the coding strand, the complement: RS1 is on the minus strand). VCF-style: chrX-18644563-A-T. GRCh37 (hg19) VCF-style: chrX-18662683-A-T.
Other names: c.2714-1444A>T (NM_003159.3, NM_001037343.2); short protein forms I130N.
Identifiers: ClinVar variation 2787230 (VCV002787230.3), dbSNP rs1927702049, ClinGen allele CA412372100.
Genomic context (GRCh38, chrX:18,644,563, plus strand): 5'-TTGGTCATCCACTCATCGATGTCACAGCGCCCCTGGGTGAGGATCCCTGAAATCACTTTG[A>T]TCTCCTTCAGATCTATCTGTAACCACTGGCTACTGTCCTGGAACTTGGAGAGCCAGGCAC-3'
Protein context (NP_000321.1, residues 120-140): SQWLQIDLKE[Ile130Asn]KVISGILTQG